The following is an entry in ClinVar:

NM_001605.3(AARS1):c.1079C>G (p.Ala360Gly)

Gene: AARS1 (alanyl-tRNA synthetase 1; minus strand). Cytogenetic location: 16q22.1.
Variant type: single nucleotide variant.
Coding change: c.1079C>G on transcript NM_001605.3 (MANE Select); coding-DNA position 1079, C replaced by G.
Protein change: p.Ala360Gly; replaces alanine 360 with glycine.
Molecular consequence: missense variant.
Genome position (GRCh38, 1-based): chr16:70,267,802, G>C on the plus strand (C>G on the coding strand, the complement: AARS1 is on the minus strand). VCF-style: chr16-70267802-G-C. GRCh37 (hg19) VCF-style: chr16-70301705-G-C.
Other names: short protein forms A360G.
Identifiers: ClinVar variation 568507 (VCV000568507.11), dbSNP rs561829699, ClinGen allele CA283437873.

ClinVar aggregate classification (germline): Uncertain significance. Review status: criteria provided, multiple submitters, no conflicts (2 of 4 stars). 2 submissions from 2 submitters: Uncertain significance (2). Last evaluated 2024-09-06.

Conditions:
Inborn genetic diseases. Identifiers: MedGen C0950123, MeSH D030342.
Charcot-Marie-Tooth disease type 2. Also called: Charcot-Marie-Tooth type 2. Identifiers: Orphanet 64746, MedGen C0270914, MONDO:0018993.

Allele frequency attached by ClinVar (database versions not stated): gnomAD exomes 0.00001 and below 0.00001.
gnomAD v4.1: 4 of 1,614,172 alleles (0.00025%); highest among the groups gnomAD compares: Admixed American, 0.0017%; no homozygotes.

Submissions (2):

Labcorp Genetics (formerly Invitae), Labcorp
Classification: Uncertain significance for Charcot-Marie-Tooth disease type 2. Last evaluated: 2024-09-06. Review status: criteria provided, single submitter. Criteria: Invitae Variant Classification Sherloc (09022015). Collection method: clinical testing. Allele origin: germline.
Comment: This sequence change replaces alanine, which is neutral and non-polar, with glycine, which is neutral and non-polar, at codon 360 of the AARS protein (p.Ala360Gly). This variant is present in population databases (rs561829699, gnomAD 0.003%). This missense change has been observed in individual(s) with axonal neuropathy (PMID: 33144514). ClinVar contains an entry for this variant (Variation ID: 568507). Invitae Evidence Modeling of protein sequence and biophysical properties (such as structural, functional, and spatial information, amino acid conservation, physicochemical variation, residue mobility, and thermodynamic stability) indicates that this missense variant is not expected to disrupt AARS protein function with a negative predictive value of 95%. In summary, the available evidence is currently insufficient to determine the role of this variant in disease. Therefore, it has been classified as a Variant of Uncertain Significance.

Ambry Genetics
Classification: Uncertain significance for Inborn genetic diseases. Last evaluated: 2020-10-14. Review status: criteria provided, single submitter. Criteria: Ambry Variant Classification Scheme 2023. Collection method: clinical testing. Allele origin: germline.
Comment: The p.A360G variant (also known as c.1079C>G), located in coding exon 8 of the AARS gene, results from a C to G substitution at nucleotide position 1079. The alanine at codon 360 is replaced by glycine, an amino acid with similar properties. This amino acid position is highly conserved in available vertebrate species. In addition, the in silico prediction for this alteration is inconclusive. Since supporting evidence is limited at this time, the clinical significance of this alteration remains unclear.

Literature cited by the submitters: PubMed 33144514 (cited by Labcorp Genetics (formerly Invitae), Labcorp).